The following is an entry in ClinVar:

NM_198904.4(GABRG2):c.1051G>T (p.Val351Leu)

Gene: GABRG2 (gamma-aminobutyric acid type A receptor subunit gamma2; plus strand). Cytogenetic location: 5q34.
Variant type: single nucleotide variant.
Coding change: c.1051G>T on transcript NM_198904.4 (MANE Select); coding-DNA position 1051, G replaced by T.
Protein change: p.Val351Leu; replaces valine 351 with leucine.
Molecular consequence: missense variant. On other transcripts: intron variant (1).
Genome position (GRCh38, 1-based): chr5:162,149,236, G>T. VCF-style: chr5-162149236-G-T. GRCh37 (hg19) VCF-style: chr5-161576242-G-T.
Other names: c.1051G>T, p.Val351Leu (NM_000816.3); c.1042G>T, p.Val348Leu (NM_001375339.1); c.1048G>T, p.Val350Leu (NM_001375341.1, NM_001375342.1); c.1171G>T, p.Val391Leu (NM_001375343.1, NM_198903.2); c.1090G>T, p.Val364Leu (NM_001375344.1); c.985G>T, p.Val329Leu (NM_001375345.1, NM_001375346.1); c.964G>T, p.Val322Leu (NM_001375347.1); c.631G>T, p.Val211Leu (NM_001375348.1, NM_001375350.1); and 2 more; short protein forms V211L, V256L, V322L, V329L, V348L, V350L, V351L, V364L.
Identifiers: ClinVar variation 2446100 (VCV002446100.1), dbSNP rs2532756688, ClinGen allele CA362182569.
Genomic context (GRCh38, chr5:162,149,236, plus strand): 5'-TATGTCACAGCGATGGATCTCTTTGTATCTGTTTGTTTCATCTTTGTCTTCTCTGCTCTG[G>T]TGGAGTATGGCACCTTGCATTATTTTGTCAGCAACCGGAAACCAAGCAAGGACAAAGATA-3'
Protein context (NP_944494.1, residues 341-361): VCFIFVFSAL[Val351Leu]EYGTLHYFVS

ClinVar aggregate classification (germline): Uncertain significance (1 of 4 stars; one submission).

Submission:

GeneDx
Classification: Uncertain significance. Last evaluated: 2022-09-22. Review status: criteria provided, single submitter. Criteria: GeneDx Variant Classification Process June 2021. Collection method: clinical testing. Allele origin: germline. Affected: yes.
Comment: Not observed at significant frequency in large population cohorts (gnomAD); In silico analysis supports that this missense variant does not alter protein structure/function; Has not been previously published as pathogenic or benign to our knowledge